The following is an entry in ClinVar:

NC_000003.11:g.(?_58193925)_(58194053_?)del

Gene: DNASE1L3 (deoxyribonuclease 1L3; minus strand). Cytogenetic location: 3p14.3.
Variant type: Deletion.
Identifiers: ClinVar variation 2425243 (VCV002425243.4).

ClinVar aggregate classification (germline): Pathogenic (1 of 4 stars; one submission).

Submission:

Labcorp Genetics (formerly Invitae), Labcorp
Classification: Pathogenic. Last evaluated: 2022-07-12. Review status: criteria provided, single submitter. Criteria: Invitae Variant Classification Sherloc (09022015). Collection method: clinical testing. Allele origin: germline.
Comment: For these reasons, this variant has been classified as Pathogenic. This variant has not been reported in the literature in individuals affected with DNASE1L3-related conditions. This variant is a gross deletion of the genomic region encompassing exon(s) 2 of the DNASE1L3 gene. This deletion is out-of-frame, and is expected to create a premature termination codon and result in an absent or disrupted protein product. Loss-of-function variants in DNASE1L3 are known to be pathogenic (PMID: 24206041, 27821515).

Literature cited by the submitters: PubMed 24206041; PubMed 27821515.